The following is an entry in ClinVar:

ClinVar aggregate classification (germline): Pathogenic (1 of 4 stars; one submission).

Submission:

Labcorp Genetics (formerly Invitae), Labcorp
Classification: Pathogenic. Last evaluated: 2024-04-05. Review status: criteria provided, single submitter. Criteria: Invitae Variant Classification Sherloc (09022015). Collection method: clinical testing. Allele origin: germline.
Comment: This sequence change creates a premature translational stop signal (p.Glu726Aspfs*14) in the PHEX gene. While this is not anticipated to result in nonsense mediated decay, it is expected to disrupt the last 24 amino acid(s) of the PHEX protein. This variant is not present in population databases (gnomAD no frequency). This variant has not been reported in the literature in individuals affected with PHEX-related conditions. This variant disrupts a region of the PHEX protein in which other variant(s) (p.Trp749Arg) have been determined to be pathogenic (PMID: 9768674, 29858904; Invitae). This suggests that this is a clinically significant region of the protein, and that variants that disrupt it are likely to be disease-causing. For these reasons, this variant has been classified as Pathogenic.

Literature cited by the submitters: PubMed 9768674; PubMed 29858904.

NM_000444.6(PHEX):c.2178del (p.Glu726fs)

Genes: PHEX (phosphate regulating endopeptidase X-linked; plus strand), PTCHD1-AS (PTCHD1 and PHEX antisense RNA; minus strand). Cytogenetic location: Xp22.11.
Variant type: Deletion.
Coding change: c.2178del on transcript NM_000444.6 (MANE Select); coding-DNA position 2178, one base deleted (A; older notation c.2178delA).
Protein change: p.Glu726fs; shifts the reading frame from glutamic acid 726.
Molecular consequence: frameshift variant. On other transcripts: 3 prime UTR variant (1).
Genome position (GRCh38, 1-based): chrX:22,247,881, A deleted; the last of 2 consecutive A bases (chrX:22,247,880-22,247,881); deleting either gives the same sequence. VCF-style (leftmost placement, unchanged base first): chrX-22247879-GA-G. GRCh37 (hg19) VCF-style: chrX-22265996-GA-G.
Other names: c.*13del (NM_001282754.2); short protein forms E726fs.
Identifiers: ClinVar variation 3648895 (VCV003648895.2).
Genomic context (GRCh38, chrX:22,247,879, plus strand): 5'-TATGACATATGCTTTGACATATCGTTTTTCAGGGTCAATGGTGCAATTAGTAACTTTGAA[GA>G]ATTCCAGAAAGCTTTTAACTGTCCACCCAATTCCACGATGAACAGAGGCATGGACTCCTG-3'